The following is an entry in ClinVar:

ClinVar aggregate classification (germline): Uncertain significance (1 of 4 stars; one submission).

Submission:

GeneDx
Classification: Uncertain significance. Last evaluated: 2023-12-07. Review status: criteria provided, single submitter. Criteria: GeneDx Variant Classification Process June 2021. Collection method: clinical testing. Allele origin: germline. Affected: yes.
Comment: Frameshift variant predicted to result in protein truncation or nonsense mediated decay in a gene or region of a gene for which loss of function is not a well-established mechanism of disease; Not observed at significant frequency in large population cohorts (gnomAD); Has not been previously published as pathogenic or benign to our knowledge; Variants in candidate genes are classified as variants of uncertain significance in accordance with ACMG guidelines (PMID: 25741868)

NM_033026.6(PCLO):c.6052dup (p.Glu2018fs)

Gene: PCLO (piccolo presynaptic cytomatrix protein; minus strand). Cytogenetic location: 7q21.11.
Variant type: Duplication.
Coding change: c.6052dup on transcript NM_033026.6 (MANE Select); coding-DNA position 6052, one base duplicated (G; older notation c.6052dupG).
Protein change: p.Glu2018fs; shifts the reading frame from glutamic acid 2018.
Molecular consequence: frameshift variant.
Genome position (GRCh38, 1-based): chr7:82,954,901, C duplicated on the plus strand (G on the coding strand, the reverse complement: PCLO is on the minus strand). VCF-style (leftmost placement, unchanged base first): chr7-82954900-T-TC. GRCh37 (hg19) VCF-style: chr7-82584216-T-TC.
Other names: c.6052dup, p.Glu2018fs (NM_014510.3); short protein forms E2018fs.
Identifiers: ClinVar variation 3903261 (VCV003903261.1).
Genomic context (GRCh38, chr7:82,954,900, plus strand): 5'-TCTGGGATGATAAAAGAGCTTGAAACAATATCTTCCTGAGGCACAACAGAATGTAAGCTT[T>TC]CTAACTCATAAAACTCTTTCTGGAGGTCTGTAATTTTCTGCATAGGATCTTCATAAATCT-3'